The following is an entry in ClinVar:

NM_001367624.2(ZNF469):c.11263G>C (p.Gly3755Arg)

Gene: ZNF469 (zinc finger protein 469; plus strand). Cytogenetic location: 16q24.2.
Variant type: single nucleotide variant.
Coding change: c.11263G>C on transcript NM_001367624.2 (MANE Select); coding-DNA position 11263, G replaced by C.
Protein change: p.Gly3755Arg; replaces glycine 3755 with arginine.
Molecular consequence: missense variant.
Genome position (GRCh38, 1-based): chr16:88,438,733, G>C. VCF-style: chr16-88438733-G-C. GRCh37 (hg19) VCF-style: chr16-88505141-G-C.
Other names: short protein forms G3755R.
Identifiers: ClinVar variation 2733673 (VCV002733673.3), dbSNP rs548347344, ClinGen allele CA397129554.

ClinVar aggregate classification (germline): Uncertain significance (1 of 4 stars; one submission).

Submission:

Labcorp Genetics (formerly Invitae), Labcorp
Classification: Uncertain significance. Last evaluated: 2023-07-10. Review status: criteria provided, single submitter. Criteria: Invitae Variant Classification Sherloc (09022015). Collection method: clinical testing. Allele origin: germline.
Comment: This sequence change replaces glycine, which is neutral and non-polar, with arginine, which is basic and polar, at codon 3727 of the ZNF469 protein (p.Gly3727Arg). This variant is not present in population databases (gnomAD no frequency). This variant has not been reported in the literature in individuals affected with ZNF469-related conditions. An algorithm developed to predict the effect of missense changes on protein structure and function (PolyPhen-2) suggests that this variant is likely to be tolerated. In summary, the available evidence is currently insufficient to determine the role of this variant in disease. Therefore, it has been classified as a Variant of Uncertain Significance.